The following is an entry in ClinVar:

NM_017739.4(POMGNT1):c.490C>G (p.Leu164Val)

Genes: POMGNT1 (protein O-linked mannose N-acetylglucosaminyltransferase 1 (beta 1,2-); minus strand), TSPAN1 (tetraspanin 1; plus strand). Cytogenetic location: 1p34.1.
Variant type: single nucleotide variant.
Coding change: c.490C>G on transcript NM_017739.4 (MANE Select); coding-DNA position 490, C replaced by G.
Protein change: p.Leu164Val; replaces leucine 164 with valine.
Molecular consequence: missense variant.
Genome position (GRCh38, 1-based): chr1:46,195,855, G>C on the plus strand (C>G on the coding strand, the complement: POMGNT1 is on the minus strand). VCF-style: chr1-46195855-G-C. GRCh37 (hg19) VCF-style: chr1-46661527-G-C.
Other names: c.490C>G, p.Leu164Val (NM_001410783.1, NM_001243766.2); c.424C>G, p.Leu142Val (NM_001290129.3); c.61C>G, p.Leu21Val (NM_001290130.2); short protein forms L164V, L21V, L142V.
Identifiers: ClinVar variation 1466302 (VCV001466302.1), dbSNP rs2148211802, ClinGen allele CA340188285.

ClinVar aggregate classification (germline): Uncertain significance (1 of 4 stars; one submission).

Conditions:
Autosomal recessive limb-girdle muscular dystrophy type 2O. Also called: Limb-Girdle Muscular Dystrophy Type 3C; MUSCULAR DYSTROPHY-DYSTROGLYCANOPATHY (LIMB-GIRDLE), TYPE C, 3; MUSCULAR DYSTROPHY-DYSTROGLYCANOPATHY, LIMB-GIRDLE, POMGNT1-RELATED. Identifiers: Orphanet 206564, MedGen C3150417, MONDO:0013161, OMIM 613157.
Muscular dystrophy-dystroglycanopathy (congenital with impaired intellectual development), type B, 3. Also called: Muscular dystrophy-dystroglycanopathy (congenital with intellectual disability), type B3; MUSCULAR DYSTROPHY, CONGENITAL, POMGNT1-RELATED. Identifiers: MedGen C3150412, MONDO:0013155, OMIM 613151.

Submission:

Labcorp Genetics (formerly Invitae), Labcorp
Classification: Uncertain significance for Autosomal recessive limb-girdle muscular dystrophy type 2O; Muscular dystrophy-dystroglycanopathy (congenital with impaired intellectual development), type B, 3. Last evaluated: 2021-12-03. Review status: criteria provided, single submitter. Criteria: Invitae Variant Classification Sherloc (09022015). Collection method: clinical testing. Allele origin: germline.
Comment: This sequence change replaces leucine, which is neutral and non-polar, with valine, which is neutral and non-polar, at codon 164 of the POMGNT1 protein (p.Leu164Val). This variant is not present in population databases (gnomAD no frequency). This variant has not been reported in the literature in individuals affected with POMGNT1-related conditions. Advanced modeling of protein sequence and biophysical properties (such as structural, functional, and spatial information, amino acid conservation, physicochemical variation, residue mobility, and thermodynamic stability) performed at Invitae indicates that this missense variant is not expected to disrupt POMGNT1 protein function. In summary, the available evidence is currently insufficient to determine the role of this variant in disease. Therefore, it has been classified as a Variant of Uncertain Significance.